The following is an entry in ClinVar:

NM_007294.4(BRCA1):c.3367G>T (p.Asp1123Tyr)

Genes: BRCA1 (BRCA1 DNA repair associated; minus strand), LOC126862571 (BRD4-independent group 4 enhancer GRCh37_chr17:41243136-41244335; plus strand). Cytogenetic location: 17q21.31.
Variant type: single nucleotide variant.
Coding change: c.3367G>T on transcript NM_007294.4 (MANE Select); coding-DNA position 3367, G replaced by T.
Protein change: p.Asp1123Tyr; replaces aspartic acid 1123 with tyrosine.
Molecular consequence: missense variant. On other transcripts: intron variant (137).
Genome position (GRCh38, 1-based): chr17:43,092,164, C>A on the plus strand (G>T on the coding strand, the complement: BRCA1 is on the minus strand). VCF-style: chr17-43092164-C-A. GRCh37 (hg19) VCF-style: chr17-41244181-C-A.
Other names: 3486G>T; c.3223G>T, p.Asp1075Tyr (NM_001407846.1, NM_001407847.1, NM_001407848.1 and 20 more transcripts); c.3226G>T, p.Asp1076Tyr (NM_001407850.1, NM_001407851.1, NM_001407852.1 and 29 more transcripts); c.3154G>T, p.Asp1052Tyr (NM_001407853.1, NM_001407894.1, NM_001407895.1 and 9 more transcripts); c.3367G>T, p.Asp1123Tyr (NM_001407854.1, NM_001407858.1, NM_001407859.1 and 30 more transcripts); c.3364G>T, p.Asp1122Tyr (NM_001407860.1, NM_001407861.1, NM_001407587.1 and 22 more transcripts); c.3166G>T, p.Asp1056Tyr (NM_001407862.1); c.3244G>T, p.Asp1082Tyr (NM_001407863.1, NM_001407919.1, NM_001407937.1 and 19 more transcripts); and 42 more; short protein forms D1123Y, D1076Y, D1011Y, D1012Y, D1056Y, D996Y, D1052Y, D1053Y.
Identifiers: ClinVar variation 54860 (VCV000054860.31), dbSNP rs80356867, ClinGen allele CA002185.

ClinVar aggregate classification (germline): Conflicting classifications of pathogenicity. Review status: criteria provided, conflicting classifications (1 of 4 stars). 11 submissions from 11 submitters: Uncertain significance (5); Likely benign (2). 4 of the submissions do not count toward it. Last evaluated 2026-01-13.

Conditions:
Hereditary cancer-predisposing syndrome. Also called: Tumor predisposition; Neoplastic Syndromes, Hereditary; Hereditary Cancer Syndrome; Hereditary neoplastic syndrome. Identifiers: Orphanet 140162, MedGen C0027672, MeSH D009386, MONDO:0015356.
Hereditary breast ovarian cancer syndrome. Also called: Hereditary breast and ovarian cancer syndrome (HBOC); Hereditary breast and ovarian cancer syndrome; Hereditary breast and ovarian cancer; Hereditary breast and/or ovarian cancer syndrome; Breast and ovarian cancer; BRCA1- and BRCA2-Associated Hereditary Breast and Ovarian Cancer. Identifiers: Orphanet 145, MedGen C0677776, MeSH D061325, MONDO:0003582. Disease mechanism: loss of function.
Breast-ovarian cancer, familial, susceptibility to, 1 (BROVCA1). Also called: OVARIAN CANCER, SUSCEPTIBILITY TO; BRCA1 Hereditary Breast and Ovarian Cancer. Identifiers: Orphanet 145, MedGen C2676676, MONDO:0011450, OMIM 604370. Disease mechanism: loss of function.

Allele frequency attached by ClinVar (database versions not stated): gnomAD exomes below 0.00001 and 0.00001; ExAC 0.00002.
gnomAD v4.1: 4 of 1,613,400 alleles (0.00025%); highest among the groups gnomAD compares: Non-Finnish European, 0.00017%; no homozygotes.

Submissions (11):

Labcorp Genetics (formerly Invitae), Labcorp
Classification: Likely benign for Hereditary breast ovarian cancer syndrome. Last evaluated: 2026-01-13. Review status: criteria provided, single submitter. Criteria: Invitae Variant Classification Sherloc (09022015). Collection method: clinical testing. Allele origin: germline.

Dasa
Classification: Uncertain significance for Breast-ovarian cancer, familial, susceptibility to, 1. Last evaluated: 2025-05-27. Review status: criteria provided, single submitter. Criteria: DASA Assertion Criteria. Collection method: clinical testing. Allele origin: germline.
Comment: NM_007294.4(BRCA1):c.3367G>T (p.Asp1123Tyr) is a missense variant that results in the substitution of aspartic acid with tyrosine. This variant is rare in population databases. The currently available literature and clinical evidence are not sufficient to establish a definitive association between this variant and the reported condition. Therefore, this variant is classified as a variant of uncertain significance.

Ambry Genetics
Classification: Uncertain significance for Hereditary cancer-predisposing syndrome. Last evaluated: 2024-06-07. Review status: criteria provided, single submitter. Criteria: Ambry Variant Classification Scheme 2023. Collection method: clinical testing. Allele origin: germline.
Comment: The p.D1123Y variant (also known as c.3367G>T), located in coding exon 9 of the BRCA1 gene, results from a G to T substitution at nucleotide position 3367. The aspartic acid at codon 1123 is replaced by tyrosine, an amino acid with highly dissimilar properties. This alteration has been identified in multiple individuals who have a personal and/or family history that is suggestive of HBOC (Seymour IJ et al. Breast Cancer Res. Treat. 2008 Nov;112:343-9; El Saghir NS et al. Oncologist. 2015 Apr;20:357-64; Fanale D et al. Front Oncol. 2021 Jun;11:682445). This amino acid position is not well conserved in available vertebrate species. In addition, the in silico prediction for this alteration is inconclusive. Since supporting evidence is limited at this time, the clinical significance of this alteration remains unclear.

All of Us Research Program, National Institutes of Health
Classification: Uncertain significance for Breast-ovarian cancer, familial, susceptibility to, 1. Last evaluated: 2023-06-26. Review status: criteria provided, single submitter. Criteria: ACMG Guidelines, 2015. Collection method: clinical testing. Allele origin: germline. Inheritance: Autosomal dominant inheritance. Observed: 1 variant allele, 1 heterozygote.
Comment: This missense variant replaces aspartic acid with tyrosine at codon 1123 of the BRCA1 protein. Computational prediction is inconclusive regarding the impact of this variant on protein structure and function (internally defined REVEL score threshold 0.5 < inconclusive < 0.7, PMID: 27666373). Splice site prediction tools suggest that this variant may not impact RNA splicing. To our knowledge, functional studies have not been performed for this variant. This variant has been reported in individuals affected with breast and/or ovarian cancer (PMID: 18092194, 25777348). This variant has also been identified in 2/250340 chromosomes in the general population by the Genome Aggregation Database (gnomAD). The available evidence is insufficient to determine the role of this variant in disease conclusively. Therefore, this variant is classified as a Variant of Uncertain Significance.

This study involves interpretation of variants in research participants for the purpose of population health screening. Participant phenotype was not available at the time of variant classification. Additional details can be found in publication PMID: 35346344, PMCID: PMC8962531

University of Washington Department of Laboratory Medicine, University of Washington
Classification: Likely benign for Hereditary cancer-predisposing syndrome. Last evaluated: 2023-03-23. Review status: criteria provided, single submitter. Criteria: Dines et al. (Genet Med. 2020). Collection method: curation. Allele origin: germline.
Comment: Missense variant in a coldspot region where missense variants are very unlikely to be pathogenic (PMID:31911673).

BRCA1 coldspot (exon 11 using historical exon numbering). Reclassification based on statistical prior probability

Color Diagnostics, LLC DBA Color Health
Classification: Uncertain significance for Hereditary cancer-predisposing syndrome. Last evaluated: 2023-02-28. Review status: criteria provided, single submitter. Criteria: ACMG Guidelines, 2015. Collection method: clinical testing. Allele origin: germline.
Comment: This missense variant replaces aspartic acid with tyrosine at codon 1123 of the BRCA1 protein. Computational prediction is inconclusive regarding the impact of this variant on protein structure and function (internally defined REVEL score threshold 0.5 < inconclusive < 0.7, PMID: 27666373). To our knowledge, functional studies have not been reported for this variant. This variant has been reported in at least three individuals affected with breast cancer (PMID: 25777348, 34178674). This variant has been identified in 2/250340 chromosomes in the general population by the Genome Aggregation Database (gnomAD). The available evidence is insufficient to determine the role of this variant in disease conclusively. Therefore, this variant is classified as a Variant of Uncertain Significance.

GeneDx
Classification: Uncertain significance. Last evaluated: 2022-12-07. Review status: criteria provided, single submitter. Criteria: GeneDx Variant Classification Process June 2021. Collection method: clinical testing. Allele origin: germline. Affected: yes.
Comment: Not observed at significant frequency in large population cohorts (gnomAD); In silico analysis supports that this missense variant has a deleterious effect on protein structure/function; Also known as 3486G>T; Observed in individuals with personal and/or family history of breast and/or ovarian cancer (Seymour et al., 2008; El Saghir et al., 2015; Abu-Helalah et al., 2020; Fanale et al., 2021; Abdel-Razeq et al., 2022); This variant is associated with the following publications: (PMID: 25777348, 18092194, 15385441, 21523855, 33376347, 29884841, 32377563, 33067490, 10923033, 35402282, 34178674)

BRCAlab, Lund University
Classification: Uncertain significance for Breast-ovarian cancer, familial, susceptibility to, 1. Last evaluated: 2020-03-02. Review status: no assertion criteria provided. Collection method: clinical testing. Allele origin: germline. Affected: yes. Not counted in ClinVar's aggregate classification.

Counsyl
Classification: Uncertain significance for Breast-ovarian cancer, familial, susceptibility to, 1. Last evaluated: 2017-08-18. Review status: no assertion criteria provided. Collection method: clinical testing. Allele origin: unknown. Not counted in ClinVar's aggregate classification.

Sharing Clinical Reports Project (SCRP)
Classification: Likely benign for Breast-ovarian cancer, familial 1. Last evaluated: 2012-08-13. Review status: no assertion criteria provided. Collection method: clinical testing. Allele origin: germline. Not counted in ClinVar's aggregate classification.

Breast Cancer Information Core (BIC) (BRCA1)
Classification: Uncertain significance for Breast-ovarian cancer, familial 1. Last evaluated: 2004-02-20. Review status: no assertion criteria provided. Collection method: clinical testing. Allele origin: germline. Affected: yes. Observed: 1 variant allele. Not counted in ClinVar's aggregate classification.

Literature cited by the submitters: PubMed 18092194 (cited by 3 submitters); PubMed 25777348 (cited by 4 submitters); PubMed 34178674 (cited by Ambry Genetics and Color Diagnostics, LLC DBA Color Health).